The following is an entry in ClinVar:

ClinVar aggregate classification (germline): Uncertain significance (1 of 4 stars; one submission).

Submission:

Women's Health and Genetics/Laboratory Corporation of America, LabCorp
Classification: Uncertain significance. Last evaluated: 2021-12-16. Review status: criteria provided, single submitter. Criteria: LabCorp Variant Classification Summary - May 2015. Collection method: clinical testing. Allele origin: germline.
Comment: Variant summary: BRCA2 c.575T>A (p.Met192Lys) results in a non-conservative amino acid change in the encoded protein sequence. Four of five in-silico tools predict a damaging effect of the variant on protein function. The variant was absent in 251414 control chromosomes. The available data on variant occurrences in the general population are insufficient to allow any conclusion about variant significance. To our knowledge, no occurrence of c.575T>A in individuals affected with Hereditary Breast And Ovarian Cancer Syndrome and no experimental evidence demonstrating its impact on protein function have been reported. No clinical diagnostic laboratories have submitted clinical-significance assessments for this variant to ClinVar after 2014. Based on the evidence outlined above, the variant was classified as uncertain significance.

NM_000059.4(BRCA2):c.575T>A (p.Met192Lys)

Gene: BRCA2 (BRCA2 DNA repair associated; plus strand). Cytogenetic location: 13q13.1.
Variant type: single nucleotide variant.
Coding change: c.575T>A on transcript NM_000059.4 (MANE Select); coding-DNA position 575, T replaced by A.
Protein change: p.Met192Lys; replaces methionine 192 with lysine.
Molecular consequence: missense variant.
Genome position (GRCh38, 1-based): chr13:32,326,557, T>A. VCF-style: chr13-32326557-T-A. GRCh37 (hg19) VCF-style: chr13-32900694-T-A.
Other names: short protein forms M192K.
Identifiers: ClinVar variation 1331420 (VCV001331420.1), dbSNP rs80358805, ClinGen allele CA387758007.
Genomic context (GRCh38, chr13:32,326,557, plus strand): 5'-AGGGTCGTCAGACACCAAAACATATTTCTGAAAGTCTAGGAGCTGAGGTGGATCCTGATA[T>A]GTCTTGGTCAAGTTCTTTAGCTACACCACCCACCCTTAGTTCTACTGTGCTCATAGGTAA-3'
Protein context (NP_000050.3, residues 182-202): ESLGAEVDPD[Met192Lys]SWSSSLATPP